The following is an entry in ClinVar:

NM_000038.6(APC):c.7114C>T (p.Gln2372Ter)

Gene: APC (APC regulator of Wnt signaling pathway; plus strand). Cytogenetic location: 5q22.2.
Variant type: single nucleotide variant.
Coding change: c.7114C>T on transcript NM_000038.6 (MANE Select); coding-DNA position 7114, C replaced by T.
Protein change: p.Gln2372Ter; replaces glutamine 2372 with a stop codon.
Molecular consequence: nonsense.
Genome position (GRCh38, 1-based): chr5:112,842,708, C>T. VCF-style: chr5-112842708-C-T. GRCh37 (hg19) VCF-style: chr5-112178405-C-T.
Other names: c.7114C>T, p.Gln2372Ter (NM_001127510.3, NM_001354895.2); c.7060C>T, p.Gln2354Ter (NM_001127511.3); c.7168C>T, p.Gln2390Ter (NM_001354896.2); c.7144C>T, p.Gln2382Ter (NM_001354897.2); c.7039C>T, p.Gln2347Ter (NM_001354898.2); c.7030C>T, p.Gln2344Ter (NM_001354899.2); c.6991C>T, p.Gln2331Ter (NM_001354900.2); c.6937C>T, p.Gln2313Ter (NM_001354901.2); and 5 more; short protein forms Q2089*, Q2246*, Q2313*, Q2382*, Q2390*, Q2212*, Q2344*, Q2347*.
Identifiers: ClinVar variation 826849 (VCV000826849.16), dbSNP rs1580678722, ClinGen allele CA16036823.
Genomic context (GRCh38, chr5:112,842,708, plus strand): 5'-AGTACTGCTTCAACTAAGTCCTCAGGTTCTGGAAAAATGTCATATACATCTCCAGGTAGA[C>T]AGATGAGCCAACAGAACCTTACCAAACAAACAGGTTTATCCAAGAATGCCAGTAGTATTC-3'

ClinVar aggregate classification (germline): Pathogenic. Review status: criteria provided, multiple submitters, no conflicts (2 of 4 stars). 3 submissions from 3 submitters: Pathogenic (3). Last evaluated 2023-05-16.

Conditions:
Hereditary cancer-predisposing syndrome. Also called: Neoplastic Syndromes, Hereditary; Tumor predisposition; Hereditary neoplastic syndrome; Hereditary Cancer Syndrome. Identifiers: Orphanet 140162, MedGen C0027672, MeSH D009386, MONDO:0015356.
Familial adenomatous polyposis 1 (FAP1). Also called: POLYPOSIS, ADENOMATOUS INTESTINAL; FAMILIAL ADENOMATOUS POLYPOSIS 1, ATTENUATED. Identifiers: MedGen C2713442, MONDO:0021056, OMIM 175100. Disease mechanism: loss of function.

Submissions (3):

Myriad Genetics, Inc.
Classification: Pathogenic for Familial adenomatous polyposis 1. Last evaluated: 2023-05-16. Review status: criteria provided, single submitter. Criteria: Myriad Autosomal Dominant, Autosomal Recessive and X-Linked Classification Criteria (2023). Collection method: clinical testing. Allele origin: unknown.
Comment: This variant is considered pathogenic. This variant creates a termination codon and is predicted to result in premature protein truncation.

Ambry Genetics
Classification: Pathogenic for Hereditary cancer-predisposing syndrome. Last evaluated: 2019-07-05. Review status: criteria provided, single submitter. Criteria: Ambry Variant Classification Scheme 2023. Collection method: clinical testing. Allele origin: germline.
Comment: The p.Q2372* pathogenic mutation (also known as c.7114C>T), located in coding exon 15 of the APC gene, results from a C to T substitution at nucleotide position 7114. This changes the amino acid from a glutamine to a stop codon within coding exon 15. This alteration is expected to result in loss of function by premature protein truncation. As such, this alteration is interpreted as a disease-causing mutation.

Labcorp Genetics (formerly Invitae), Labcorp
Classification: Pathogenic for Familial adenomatous polyposis 1. Last evaluated: 2019-06-04. Review status: criteria provided, single submitter. Criteria: Invitae Variant Classification Sherloc (09022015). Collection method: clinical testing. Allele origin: germline.
Comment: This sequence change results in a premature translational stop signal in the APC gene (p.Gln2372*). While this is not anticipated to result in nonsense mediated decay, it is expected to disrupt the last 472 amino acids of the APC protein. This variant has not been reported in the literature in individuals with APC-related conditions. This variant is not present in population databases (ExAC no frequency). A different truncation (p.Tyr2645Lysfs*14) that lies downstream of this variant has been determined to be pathogenic (PMID: 9824584, 1316610, 27081525, 8381579, 22135120, Invitae). This suggests that deletion of this region of the APC protein is causative of disease. For these reasons, this variant has been classified as Pathogenic.

Literature cited by the submitters: PubMed 9824584 (cited by Labcorp Genetics (formerly Invitae), Labcorp); PubMed 1316610 (cited by Labcorp Genetics (formerly Invitae), Labcorp); PubMed 27081525 (cited by Labcorp Genetics (formerly Invitae), Labcorp); PubMed 8381579 (cited by Labcorp Genetics (formerly Invitae), Labcorp); PubMed 22135120 (cited by Labcorp Genetics (formerly Invitae), Labcorp).